The following is an entry in ClinVar:

NM_014391.3(ANKRD1):c.661A>G (p.Thr221Ala)

Gene: ANKRD1 (ankyrin repeat domain 1; minus strand). Cytogenetic location: 10q23.31.
Variant type: single nucleotide variant.
Coding change: c.661A>G on transcript NM_014391.3 (MANE Select); coding-DNA position 661, A replaced by G.
Protein change: p.Thr221Ala; replaces threonine 221 with alanine.
Molecular consequence: missense variant.
Genome position (GRCh38, 1-based): chr10:90,915,871, T>C on the plus strand (A>G on the coding strand, the complement: ANKRD1 is on the minus strand). VCF-style: chr10-90915871-T-C. GRCh37 (hg19) VCF-style: chr10-92675628-T-C.
Other names: short protein forms T221A.
Identifiers: ClinVar variation 4727538 (VCV004727538.2).

ClinVar aggregate classification (germline): Uncertain significance. Review status: criteria provided, multiple submitters, no conflicts (2 of 4 stars). 2 submissions from 2 submitters: Uncertain significance (2). Last evaluated 2026-07-17.

Conditions:
ANKRD1-related dilated cardiomyopathy. Identifiers: MedGen CN119551.
Cardiovascular phenotype. Identifiers: MedGen CN230736.

gnomAD v4.1: 1 of 1,609,666 alleles (0.000062%); highest among the groups gnomAD compares: Non-Finnish European, 0.000085%; no homozygotes.

Submissions (2):

Ambry Genetics
Classification: Uncertain significance for Cardiovascular phenotype. Last evaluated: 2026-07-17. Review status: criteria provided, single submitter. Criteria: Ambry Variant Classification Scheme 2023. Collection method: clinical testing. Allele origin: germline.
Comment: The p.T221A variant (also known as c.661A>G), located in coding exon 7 of the ANKRD1 gene, results from an A to G substitution at nucleotide position 661. The threonine at codon 221 is replaced by alanine, an amino acid with similar properties. This amino acid position is conserved. In addition, this alteration is predicted to be deleterious by in silico analysis. Based on the available evidence, the clinical significance of this variant remains unclear.

Labcorp Genetics (formerly Invitae), Labcorp
Classification: Uncertain significance for ANKRD1-related dilated cardiomyopathy. Last evaluated: 2025-11-12. Review status: criteria provided, single submitter. Criteria: Invitae Variant Classification Sherloc (09022015). Collection method: clinical testing. Allele origin: germline.
Comment: This sequence change replaces threonine, which is neutral and polar, with alanine, which is neutral and non-polar, at codon 221 of the ANKRD1 protein (p.Thr221Ala). This variant is not present in population databases (gnomAD no frequency). This variant has not been reported in the literature in individuals affected with ANKRD1-related conditions. Invitae Evidence Modeling of protein sequence and biophysical properties (such as structural, functional, and spatial information, amino acid conservation, physicochemical variation, residue mobility, and thermodynamic stability) has been performed for this missense variant. However, the output from this modeling did not meet the statistical confidence thresholds required to predict the impact of this variant on ANKRD1 protein function. In summary, the available evidence is currently insufficient to determine the role of this variant in disease. Therefore, it has been classified as a Variant of Uncertain Significance.